The following is an entry in ClinVar:

ClinVar aggregate classification (germline): Uncertain significance (1 of 4 stars; one submission).

gnomAD v4.1: 2 of 1,179,959 alleles (0.00017%); highest among the groups gnomAD compares: Admixed American, 0.0022%; no homozygotes.

Submission:

GeneDx
Classification: Uncertain significance. Last evaluated: 2024-04-11. Review status: criteria provided, single submitter. Criteria: GeneDx Variant Classification Process June 2021. Collection method: clinical testing. Allele origin: germline. Affected: yes.
Comment: In silico analysis indicates that this missense variant does not alter protein structure/function; Has not been previously published as pathogenic or benign to our knowledge

NM_080632.3(UPF3B):c.1346G>A (p.Arg449Gln)

Gene: UPF3B (UPF3B regulator of nonsense mediated mRNA decay; minus strand). Cytogenetic location: Xq24.
Variant type: single nucleotide variant.
Coding change: c.1346G>A on transcript NM_080632.3 (MANE Select); coding-DNA position 1346, G replaced by A.
Protein change: p.Arg449Gln; replaces arginine 449 with glutamine.
Molecular consequence: missense variant.
Genome position (GRCh38, 1-based): chrX:119,834,984, C>T on the plus strand (G>A on the coding strand, the complement: UPF3B is on the minus strand). VCF-style: chrX-119834984-C-T. GRCh37 (hg19) VCF-style: chrX-118968947-C-T.
Other names: c.1307G>A, p.Arg436Gln (NM_023010.4); short protein forms R436Q, R449Q.
Identifiers: ClinVar variation 3372474 (VCV003372474.1).
Genomic context (GRCh38, chrX:119,834,984, plus strand): 5'-TTCCTTTCTGCTGCTGAATCTCCAGACTTGGTGCTGTCATCAGGGGGACAGAGTCGATTT[C>T]GGCTTCGAGCTCCTGGTTGGTAAAGCTGCATCGCTGGACGATCCTGAAGTACAATAAAAT-3'
Protein context (NP_542199.1, residues 439-459): MQLYQPGARS[Arg449Gln]NRLCPPDDST